The following is an entry in ClinVar:

ClinVar aggregate classification (germline): Uncertain significance (1 of 4 stars; one submission).

Conditions:
Long QT syndrome (LQTS). Identifiers: MedGen C0023976, MeSH D008133, MONDO:0002442. Disease mechanism: loss of function. Inheritance: Various modes of inheritance.

Submission:

Labcorp Genetics (formerly Invitae), Labcorp
Classification: Uncertain significance for Long QT syndrome. Last evaluated: 2023-07-13. Review status: criteria provided, single submitter. Criteria: Invitae Variant Classification Sherloc (09022015). Collection method: clinical testing. Allele origin: germline.
Comment: This variant has not been reported in the literature in individuals affected with AKAP9-related conditions. This sequence change creates a premature translational stop signal (p.Ile1414Lysfs*9) in the AKAP9 gene. It is expected to result in an absent or disrupted protein product. However, the current clinical and genetic evidence is not sufficient to establish whether loss-of-function variants in AKAP9 cause disease. This variant is not present in population databases (gnomAD no frequency). In summary, the available evidence is currently insufficient to determine the role of this variant in disease. Therefore, it has been classified as a Variant of Uncertain Significance.

NM_005751.5(AKAP9):c.4241del (p.Ile1414fs)

Gene: AKAP9 (A-kinase anchoring protein 9; plus strand). Cytogenetic location: 7q21.2.
Variant type: Deletion.
Coding change: c.4241del on transcript NM_005751.5 (MANE Select); coding-DNA position 4241, one base deleted (T; older notation c.4241delT).
Protein change: p.Ile1414fs; shifts the reading frame from isoleucine 1414.
Molecular consequence: frameshift variant.
Genome position (GRCh38, 1-based): chr7:92,029,987, T deleted. VCF-style (leftmost placement, unchanged base first): chr7-92029986-AT-A. GRCh37 (hg19) VCF-style: chr7-91659300-AT-A.
Other names: c.4241del, p.Ile1414fs (NM_147185.3); short protein forms I1414fs.
Identifiers: ClinVar variation 2742842 (VCV002742842.3), dbSNP rs2484781142, ClinGen allele CA2697557390.